The following is an entry in ClinVar:

ClinVar aggregate classification (germline): Conflicting classifications of pathogenicity. Review status: criteria provided, conflicting classifications (1 of 4 stars). 5 submissions from 5 submitters: Uncertain significance (4); Likely benign (1). Last evaluated 2026-01-27.

Conditions:
DMD-related disorder. Also called: DMD-related condition.
Cardiovascular phenotype. Identifiers: MedGen CN230736.
Duchenne muscular dystrophy (DMD). Also called: MUSCULAR DYSTROPHY, PSEUDOHYPERTROPHIC PROGRESSIVE, DUCHENNE TYPE; Duchenne Muscular Dystrophy (DMD). Identifiers: Orphanet 98896, MedGen C0013264, MONDO:0010679, OMIM 310200.
Primary dilated cardiomyopathy (DCM). Also called: Dilated Cardiomyopathy. Identifiers: Orphanet 217604, MedGen C0007193, MeSH D002311, MONDO:0005021, HP:0001644. Inheritance: Various modes of inheritance.

Allele frequency attached by ClinVar (database versions not stated): TOPMed below 0.00001; ExAC 0.00001; gnomAD 0.00001; gnomAD exomes 0.00001.
gnomAD v4.1: 10 of 1,209,070 alleles (0.00083%); highest among the groups gnomAD compares: Non-Finnish European, 0.0011%; no homozygotes.

Submissions (5):

Labcorp Genetics (formerly Invitae), Labcorp
Classification: Uncertain significance for Duchenne muscular dystrophy. Last evaluated: 2026-01-27. Review status: criteria provided, single submitter. Criteria: Invitae Variant Classification Sherloc (09022015). Collection method: clinical testing. Allele origin: germline.
Comment: This sequence change replaces glutamic acid, which is acidic and polar, with glycine, which is neutral and non-polar, at codon 991 of the DMD protein (p.Glu991Gly). This variant is present in population databases (rs747374618, gnomAD 0.001%). This variant has not been reported in the literature in individuals affected with DMD-related conditions. ClinVar contains an entry for this variant (Variation ID: 226048). Invitae Evidence Modeling of protein sequence and biophysical properties (such as structural, functional, and spatial information, amino acid conservation, physicochemical variation, residue mobility, and thermodynamic stability) indicates that this missense variant is not expected to disrupt DMD protein function with a negative predictive value of 95%. In summary, the available evidence is currently insufficient to determine the role of this variant in disease. Therefore, it has been classified as a Variant of Uncertain Significance.

Ambry Genetics
Classification: Likely benign for Cardiovascular phenotype. Last evaluated: 2025-10-27. Review status: criteria provided, single submitter. Criteria: Ambry Variant Classification Scheme 2023. Collection method: clinical testing. Allele origin: germline.

Mayo Clinic Laboratories, Mayo Clinic
Classification: Uncertain significance. Last evaluated: 2025-04-22. Review status: criteria provided, single submitter. Criteria: ACMG Guidelines, 2015. Collection method: clinical testing. Allele origin: germline. Observed: 1 variant allele.
Comment: BP4_moderate, PM2_supporting

PreventionGenetics, part of Exact Sciences
Classification: Uncertain significance for DMD-related condition. Last evaluated: 2022-11-11. Review status: criteria provided, single submitter. Criteria: ACMG Guidelines, 2015. Collection method: clinical testing. Allele origin: germline.
Comment: The DMD c.2972A>G variant is predicted to result in the amino acid substitution p.Glu991Gly. To our knowledge, this variant has not been reported in the literature. This variant is reported in 0.0012% of alleles in individuals of European (Non-Finnish) descent in gnomAD. At this time, the clinical significance of this variant is uncertain due to the absence of conclusive functional and genetic evidence.

CSER _CC_NCGL, University of Washington
Classification: Uncertain significance for Dilated cardiomyopathy. Last evaluated: 2015-03-11. Review status: criteria provided, single submitter. Criteria: Amendola et al. (Genome Res. 2015). Collection method: research. Allele origin: germline. Inheritance: X-linked inheritance. Study: CSER - NEXT Medicine variant annotation.

NM_004006.3(DMD):c.2972A>G (p.Glu991Gly)

Gene: DMD (dystrophin; minus strand). Cytogenetic location: Xp21.1.
Variant type: single nucleotide variant.
Coding change: c.2972A>G on transcript NM_004006.3 (MANE Select); coding-DNA position 2972, A replaced by G.
Protein change: p.Glu991Gly; replaces glutamic acid 991 with glycine.
Molecular consequence: missense variant.
Genome position (GRCh38, 1-based): chrX:32,468,688, T>C on the plus strand (A>G on the coding strand, the complement: DMD is on the minus strand). VCF-style: chrX-32468688-T-C. GRCh37 (hg19) VCF-style: chrX-32486805-T-C.
Other names: p.Glu991Gly; c.2960A>G, p.Glu987Gly (NM_004009.3); c.2603A>G, p.Glu868Gly (NM_004010.3); c.2948A>G, p.Glu983Gly (NM_000109.4); short protein forms E868G, E983G, E987G, E991G.
Identifiers: ClinVar variation 226048 (VCV000226048.7), dbSNP rs747374618, ClinGen allele CA10379380.